The following is an entry in ClinVar:

NR_033320.3(MIAT):n.4128_4131dup

Gene: MIAT (myocardial infarction associated transcript; plus strand). Cytogenetic location: 22q12.1.
Variant type: Duplication.
Molecular consequence: non-coding transcript variant (on NR_033320.3).
Genome position: GRCh38 VCF-style: chr22-26670601-T-TTAAA. GRCh37 (hg19) VCF-style: chr22-27066564-T-TTAAA.
Identifiers: ClinVar variation 3036351 (VCV003036351.1), dbSNP rs2517483645, ClinGen allele CA2740094805.

ClinVar aggregate classification (germline): Likely benign (1 of 4 stars; one submission).

Conditions:
MIAT-related disorder. Also called: MIAT-related condition.

Submission:

PreventionGenetics, part of Exact Sciences
Classification: Likely benign for MIAT-related condition. Last evaluated: 2023-02-21. Review status: criteria provided, single submitter. Criteria: ACMG Guidelines, 2015. Collection method: clinical testing. Allele origin: germline.
Comment: This variant is classified as likely benign based on ACMG/AMP sequence variant interpretation guidelines (Richards et al. 2015 PMID: 25741868, with internal and published modifications).